The following is an entry in ClinVar:

ClinVar aggregate classification (germline): Uncertain significance (1 of 4 stars; one submission).

Submission:

Labcorp Genetics (formerly Invitae), Labcorp
Classification: Uncertain significance. Last evaluated: 2024-03-19. Review status: criteria provided, single submitter. Criteria: Invitae Variant Classification Sherloc (09022015). Collection method: clinical testing. Allele origin: germline.
Comment: This sequence change replaces glycine, which is neutral and non-polar, with arginine, which is basic and polar, at codon 835 of the COL4A1 protein (p.Gly835Arg). This variant is not present in population databases (gnomAD no frequency). This variant has not been reported in the literature in individuals affected with COL4A1-related conditions. An algorithm developed to predict the effect of missense changes on protein structure and function (PolyPhen-2) suggests that this variant is likely to be tolerated. In summary, the available evidence is currently insufficient to determine the role of this variant in disease. Therefore, it has been classified as a Variant of Uncertain Significance.

NM_001845.6(COL4A1):c.2503G>A (p.Gly835Arg)

Gene: COL4A1 (collagen type IV alpha 1 chain; minus strand). Cytogenetic location: 13q34.
Variant type: single nucleotide variant.
Coding change: c.2503G>A on transcript NM_001845.6 (MANE Select); coding-DNA position 2503, G replaced by A.
Protein change: p.Gly835Arg; replaces glycine 835 with arginine.
Molecular consequence: missense variant.
Genome position (GRCh38, 1-based): chr13:110,178,187, C>T on the plus strand (G>A on the coding strand, the complement: COL4A1 is on the minus strand). VCF-style: chr13-110178187-C-T. GRCh37 (hg19) VCF-style: chr13-110830534-C-T.
Other names: short protein forms G835R.
Identifiers: ClinVar variation 3646801 (VCV003646801.2).